The following is an entry in ClinVar:

ClinVar aggregate classification (germline): Pathogenic (1 of 4 stars; one submission).

Submission:

Ambry Genetics
Classification: Pathogenic. Last evaluated: 2026-02-20. Review status: criteria provided, single submitter. Criteria: Ambry Variant Classification Scheme 2023. Collection method: clinical testing. Allele origin: germline.
Comment: The c.2835_2836delGA alteration, located in coding exon 1 of the ARHGAP35 gene, consists of a deletion of 2 nucleotides from position 2835 to 2836, causing a translational frameshift with a predicted alternate stop codon. This alteration is expected to result in premature protein truncation or nonsense-mediated mRNA decay. This variant was not reported in population-based cohorts in the Genome Aggregation Database (gnomAD). Based on the available evidence, this alteration is classified as pathogenic.

NM_004491.5(ARHGAP35):c.2835_2836del (p.Asn946fs)

Gene: ARHGAP35 (Rho GTPase activating protein 35; plus strand). Cytogenetic location: 19q13.32.
Variant type: Deletion.
Coding change: c.2835_2836del on transcript NM_004491.5 (MANE Select); coding-DNA positions 2835 to 2836, 2 bases deleted (GA; older notation c.2835_2836delGA).
Protein change: p.Asn946fs; shifts the reading frame from asparagine 946.
Molecular consequence: frameshift variant.
Genome position (GRCh38, 1-based): chr19:46,921,510-46,921,511, GA deleted; deleting any 2 consecutive bases within chr19:46,921,509-46,921,511 gives the same sequence; the c. name uses the placement nearest the transcript's 3' end. VCF-style (leftmost placement, unchanged base first): chr19-46921508-AAG-A. GRCh37 (hg19) VCF-style: chr19-47424765-AAG-A.
Other names: short protein forms N946fs.
Identifiers: ClinVar variation 4830628 (VCV004830628.1).
Genomic context (GRCh38, chr19:46,921,508, plus strand): 5'-AGCCAACCCCAGCATAAACTTGAGATCTTTCACCCATTTTTTAAAGATGTGGTGGAAAAA[AAG>A]AACATAATCGAGGCTACTCATATGTACGATAATGCTGCCGAGGCCTGTAGCACCACCGAA-3'